The following is an entry in ClinVar:

ClinVar aggregate classification (germline): Uncertain significance (1 of 4 stars; one submission).

Conditions:
Aortic aneurysm, familial thoracic 8 (AAT8). Identifiers: MedGen C3809513, MONDO:0014187, OMIM 615436.

Submission:

Labcorp Genetics (formerly Invitae), Labcorp
Classification: Uncertain significance for Aortic aneurysm, familial thoracic 8. Last evaluated: 2021-01-16. Review status: criteria provided, single submitter. Criteria: Invitae Variant Classification Sherloc (09022015). Collection method: clinical testing. Allele origin: germline.
Comment: In summary, the available evidence is currently insufficient to determine the role of this variant in disease. Therefore, it has been classified as a Variant of Uncertain Significance. This variant has not been reported in the literature in individuals with PRKG1-related conditions. This variant is a gross deletion of the genomic region encompassing exon(s) 4-5 of the PRKG1 gene. This deletion is out-of-frame, and is expected to create a premature translational stop signal and result in an absent or disrupted protein product. However, the current clinical and genetic evidence is not sufficient to establish whether loss-of-function variants in PRKG1 cause disease.

NC_000010.10:g.(?_53564335)_(53667340_?)del

Gene: PRKG1 (protein kinase cGMP-dependent 1; plus strand). Cytogenetic location: 10q21.1.
Variant type: Deletion.
Identifiers: ClinVar variation 1450568 (VCV001450568.6).